The following is an entry in ClinVar:

ClinVar aggregate classification (germline): Pathogenic (1 of 4 stars; one submission).

Submission:

Labcorp Genetics (formerly Invitae), Labcorp
Classification: Pathogenic. Last evaluated: 2024-02-05. Review status: criteria provided, single submitter. Criteria: Invitae Variant Classification Sherloc (09022015). Collection method: clinical testing. Allele origin: germline.
Comment: This sequence change creates a premature translational stop signal (p.Glu39Asnfs*20) in the PEX3 gene. It is expected to result in an absent or disrupted protein product. Loss-of-function variants in PEX3 are known to be pathogenic (PMID: 10942428, 21031596). This variant is not present in population databases (gnomAD no frequency). This variant has not been reported in the literature in individuals affected with PEX3-related conditions. For these reasons, this variant has been classified as Pathogenic.

Literature cited by the submitters: PubMed 10942428; PubMed 21031596.

NM_003630.3(PEX3):c.115_116del (p.Glu39fs)

Gene: PEX3 (peroxisomal biogenesis factor 3; plus strand). Cytogenetic location: 6q24.2.
Variant type: Microsatellite.
Coding change: c.115_116del on transcript NM_003630.3 (MANE Select); coding-DNA positions 115 to 116, 2 bases deleted (GA; older notation c.115_116delGA).
Protein change: p.Glu39fs; shifts the reading frame from glutamic acid 39.
Molecular consequence: frameshift variant.
Genome position (GRCh38, 1-based): chr6:143,459,126-143,459,127, GA deleted; deleting any 2 consecutive bases within chr6:143,459,123-143,459,127 gives the same sequence; the c. name uses the placement nearest the transcript's 3' end. VCF-style (leftmost placement, unchanged base first): chr6-143459122-CAG-C. GRCh37 (hg19) VCF-style: chr6-143780259-CAG-C.
Other names: short protein forms E39fs.
Identifiers: ClinVar variation 2718950 (VCV002718950.3), dbSNP rs2537182031, ClinGen allele CA2697553769.